The following is an entry in ClinVar:

ClinVar aggregate classification (germline): Uncertain significance (1 of 4 stars; one submission).

Conditions:
Amyotrophic lateral sclerosis type 1 (ALS1). Also called: AMYOTROPHIC LATERAL SCLEROSIS 1, FAMILIAL. Identifiers: Orphanet 803, MedGen C1862939, MONDO:0007103, OMIM 105400.
Perry syndrome. Also called: PARKINSONISM WITH ALVEOLAR HYPOVENTILATION AND MENTAL DEPRESSION. Identifiers: Orphanet 178509, MedGen C1868594, MONDO:0008201, OMIM 168605.
Neuronopathy, distal hereditary motor, type 7B. Also called: LOWER MOTOR NEURON DISEASE, DYNACTIN TYPE; NEURONOPATHY, DISTAL HEREDITARY MOTOR, AUTOSOMAL DOMINANT 14; NEURONOPATHY, DISTAL HEREDITARY MOTOR, HARDING TYPE VIIB; NEUROPATHY, DISTAL HEREDITARY MOTOR, HARDING TYPE VIIB; NEUROPATHY, DISTAL HEREDITARY MOTOR, WITH VOCAL CORD PARALYSIS, HARDING TYPE VIIB; Distal Hereditary Motor Neuronopathy Type 7B (dHMN7B). Identifiers: Orphanet 139589, MedGen C1843315, MONDO:0011879, OMIM 607641.

Submission:

Labcorp Genetics (formerly Invitae), Labcorp
Classification: Uncertain significance for Amyotrophic lateral sclerosis type 1; Neuronopathy, distal hereditary motor, type 7B; Perry syndrome. Last evaluated: 2019-08-23. Review status: criteria provided, single submitter. Criteria: Invitae Variant Classification Sherloc (09022015). Collection method: clinical testing. Allele origin: germline.
Comment: This sequence change creates a premature translational stop signal (p.Asp937Metfs*7) in the DCTN1 gene. It is expected to result in an absent or disrupted protein product. This variant is not present in population databases (ExAC no frequency). This variant has not been reported in the literature in individuals with DCTN1-related conditions. The current clinical and genetic evidence is not sufficient to establish whether loss-of-function variants in DCTN1 cause disease. In summary, the available evidence is currently insufficient to determine the role of this variant in disease. Therefore, it has been classified as a Variant of Uncertain Significance.

NM_004082.5(DCTN1):c.2808del (p.Asp937fs)

Gene: DCTN1 (dynactin subunit 1; minus strand). Cytogenetic location: 2p13.1.
Variant type: Deletion.
Coding change: c.2808del on transcript NM_004082.5 (MANE Select); coding-DNA position 2808, one base deleted (A; older notation c.2808delA).
Protein change: p.Asp937fs; shifts the reading frame from aspartic acid 937.
Molecular consequence: frameshift variant. On other transcripts: non-coding transcript variant (1).
Genome position (GRCh38, 1-based): chr2:74,365,971, T deleted on the plus strand (A on the coding strand, the reverse complement: DCTN1 is on the minus strand). VCF-style (leftmost placement, unchanged base first): chr2-74365970-CT-C. GRCh37 (hg19) VCF-style: chr2-74593097-CT-C.
Other names: c.2748del, p.Asp917fs (NM_001135040.3); c.2406del, p.Asp803fs (NM_001135041.3, NM_023019.4); c.2697del, p.Asp900fs (NM_001190836.2); c.2787del, p.Asp930fs (NM_001190837.2); c.2757del, p.Asp920fs (NM_001378991.1); c.2739del, p.Asp914fs (NM_001378992.1); short protein forms D803fs, D920fs, D930fs, D900fs, D917fs, D937fs, D914fs.
Identifiers: ClinVar variation 955782 (VCV000955782.8), dbSNP rs1674375059, ClinGen allele CA1139657118.
Genomic context (GRCh38, chr2:74,365,970, plus strand): 5'-TCTTCAACTCCTTAATAACTGTCTCTCGATCTTCGAGCTTCAAACCCAGGCCTTCAGCAT[CT>C]GTGATCTCTGCACGAAGGGCAGCAGCCCGCAGTTCAACCGGTGGAGGCTAAGGAATGGTC-3'